The following is an entry in ClinVar:

NM_002473.6(MYH9):c.5510T>G (p.Val1837Gly)

Gene: MYH9 (myosin heavy chain 9; minus strand). Cytogenetic location: 22q12.3.
Variant type: single nucleotide variant.
Coding change: c.5510T>G on transcript NM_002473.6 (MANE Select); coding-DNA position 5510, T replaced by G.
Protein change: p.Val1837Gly; replaces valine 1837 with glycine.
Molecular consequence: missense variant.
Genome position (GRCh38, 1-based): chr22:36,284,485, A>C on the plus strand (T>G on the coding strand, the complement: MYH9 is on the minus strand). VCF-style: chr22-36284485-A-C. GRCh37 (hg19) VCF-style: chr22-36680531-A-C.
Other names: short protein forms V1837G.
Identifiers: ClinVar variation 1331728 (VCV001331728.4), dbSNP rs1177354745, ClinGen allele CA411373007.
Genomic context (GRCh38, chr22:36,284,485, plus strand): 5'-TTCCTCCGCTCGTCATCCACCTGCAGCAGCACATCCTTCAGCTTCTTCTCGGTCCGACGC[A>C]CCTGTTTGCAGGCTGCCTGGCGCTCCCTGCATGACAGACAAGGTGGCTCAGAGGGAACAC-3'
Protein context (NP_002464.1, residues 1827-1847): TKERQAACKQ[Val1837Gly]RRTEKKLKDV

ClinVar aggregate classification (germline): Conflicting classifications of pathogenicity. Review status: criteria provided, conflicting classifications (1 of 4 stars). 3 submissions from 3 submitters: Uncertain significance (2); Likely benign (1). Last evaluated 2026-04-28.

Conditions:
Macrothrombocytopenia and granulocyte inclusions with or without nephritis or sensorineural hearing loss (MATINS). Also called: BLEEDING DISORDER, PLATELET-TYPE, 6; MAY-HEGGLIN ANOMALY; DOHLE LEUKOCYTE INCLUSIONS WITH GIANT PLATELETS; MACROTHROMBOCYTOPENIA WITH LEUKOCYTE INCLUSIONS; MYH9-Related Disease (MYH9-RD); SEBASTIAN PLATELET SYNDROME. Identifiers: Orphanet 182050, MedGen C5200934, MONDO:0015912, OMIM 155100.

Allele frequency attached by ClinVar (database versions not stated): TOPMed below 0.00001; gnomAD exomes 0.00001; gnomAD 0.00002.
gnomAD v4.1: 14 of 1,612,886 alleles (0.00087%); highest among the groups gnomAD compares: Non-Finnish European, 0.0012%; no homozygotes.

Submissions (3):

Women's Health and Genetics/Laboratory Corporation of America, LabCorp
Classification: Uncertain significance. Last evaluated: 2026-04-28. Review status: criteria provided, single submitter. Criteria: LabCorp Variant Classification Summary - May 2015. Collection method: clinical testing. Allele origin: germline.
Comment: Variant summary: MYH9 c.5510T>G (p.Val1837Gly) results in a non-conservative amino acid change in the encoded protein sequence. Algorithms developed to predict the effect of missense changes on protein structure and function all suggest that this variant is likely to be disruptive. The frequency data for this variant in gnomAD is considered unreliable, as metrics indicate poor data quality at this position. To our knowledge, no occurrence of c.5510T>G in individuals affected with MYH9-related conditions and no experimental evidence demonstrating its impact on protein function have been reported. ClinVar contains an entry for this variant (Variation ID: 1331728). Based on the evidence outlined above, the variant was classified as uncertain significance.

Labcorp Genetics (formerly Invitae), Labcorp
Classification: Likely benign. Last evaluated: 2024-05-28. Review status: criteria provided, single submitter. Criteria: Invitae Variant Classification Sherloc (09022015). Collection method: clinical testing. Allele origin: germline.

Johns Hopkins Genomics, Johns Hopkins University
Classification: Uncertain significance for Macrothrombocytopenia and granulocyte inclusions with or without nephritis or sensorineural hearing loss. Last evaluated: 2021-12-16. Review status: criteria provided, single submitter. Criteria: ACMG Guidelines, 2015. Collection method: clinical testing. Allele origin: germline.
Comment: This MYH9 variant (rs1177354745) is rare (<0.1%) in a large population dataset (gnomAD: 2/31346 total alleles; 0.006380%; no homozygotes) and has not been reported in ClinVar nor the literature, to our knowledge. Of three bioinformatics tools queried, one predicts that the substitution would possibly be damaging, while two predict that it would be tolerated. The valine residue at this position is conserved across most species assessed. We consider the clinical significance of MYH9 c.5510T>G to be uncertain at this time.

Literature cited by the submitters: PubMed 29679756 (cited by Johns Hopkins Genomics, Johns Hopkins University).